The following is an entry in ClinVar:

NM_001040108.2(MLH3):c.1282T>C (p.Ser428Pro)

Gene: MLH3 (mutL homolog 3; minus strand). Cytogenetic location: 14q24.3.
Variant type: single nucleotide variant.
Coding change: c.1282T>C on transcript NM_001040108.2 (MANE Select); coding-DNA position 1282, T replaced by C.
Protein change: p.Ser428Pro; replaces serine 428 with proline.
Molecular consequence: missense variant.
Genome position (GRCh38, 1-based): chr14:75,048,374, A>G on the plus strand (T>C on the coding strand, the complement: MLH3 is on the minus strand). VCF-style: chr14-75048374-A-G. GRCh37 (hg19) VCF-style: chr14-75515077-A-G.
Other names: c.1282T>C, p.Ser428Pro (NM_014381.3); short protein forms S428P.
Identifiers: ClinVar variation 1768323 (VCV001768323.3), dbSNP rs1892415854, ClinGen allele CA390446656.

ClinVar aggregate classification (germline): Uncertain significance (1 of 4 stars; one submission).

Allele frequency attached by ClinVar (database versions not stated): gnomAD exomes below 0.00001; TOPMed 0.00001.
gnomAD v4.1: 1 of 1,613,392 alleles (0.000062%); highest among the groups gnomAD compares: Non-Finnish European, 0.000085%; no homozygotes.

Submission:

Ambry Genetics
Classification: Uncertain significance. Last evaluated: 2024-08-12. Review status: criteria provided, single submitter. Criteria: Ambry Variant Classification Scheme 2023. Collection method: clinical testing. Allele origin: germline.
Comment: The p.S428P variant (also known as c.1282T>C), located in coding exon 1 of the MLH3 gene, results from a T to C substitution at nucleotide position 1282. The serine at codon 428 is replaced by proline, an amino acid with similar properties. This amino acid position is conserved. In addition, this alteration is predicted to be tolerated by in silico analysis. Since supporting evidence is limited at this time, the clinical significance of this alteration remains unclear.